The following is an entry in ClinVar:

NM_001297735.3(SYNE4):c.280-273del

Gene: SYNE4 (spectrin repeat containing nuclear envelope family member 4; minus strand). Cytogenetic location: 19q13.12.
Variant type: Deletion.
Coding change: c.280-273del on transcript NM_001297735.3; 273 bases into the intron before coding-DNA position 280, one base deleted (G; older notation c.280-273delG).
Molecular consequence: intron variant.
Genome position (GRCh38, 1-based): chr19:36,006,944, C deleted on the plus strand (G on the coding strand, the reverse complement: SYNE4 is on the minus strand); the first of 2 consecutive C bases (chr19:36,006,944-36,006,945); deleting either gives the same sequence. VCF-style (leftmost placement, unchanged base first): chr19-36006943-GC-G. GRCh37 (hg19) VCF-style: chr19-36497845-GC-G.
Identifiers: ClinVar variation 2855771 (VCV002855771.3), dbSNP rs2514040069, ClinGen allele CA2739276669.
Genomic context (GRCh38, chr19:36,006,943, plus strand): 5'-TCACCAAACGCTAGCAGCGCCTCCACACGCTCAGCTGCCCCTCGTAGGTCCACCTGGAGG[GC>G]CTGGGGACATATGGACATCACCCCACGCACACACCAGGGACCCAAAACCTGGAGTTACCC-3'

ClinVar aggregate classification (germline): Pathogenic (1 of 4 stars; one submission).

Submission:

Labcorp Genetics (formerly Invitae), Labcorp
Classification: Pathogenic. Last evaluated: 2023-04-12. Review status: criteria provided, single submitter. Criteria: Invitae Variant Classification Sherloc (09022015). Collection method: clinical testing. Allele origin: germline.
Comment: For these reasons, this variant has been classified as Pathogenic. Algorithms developed to predict the effect of sequence changes on RNA splicing suggest that this variant may disrupt the consensus splice site. This variant has not been reported in the literature in individuals affected with SYNE4-related conditions. This variant is not present in population databases (gnomAD no frequency). This sequence change creates a premature translational stop signal (p.Ala142Profs*17) in the SYNE4 gene. It is expected to result in an absent or disrupted protein product. Loss-of-function variants in SYNE4 are known to be pathogenic (PMID: 23348741, 28958982).

Literature cited by the submitters: PubMed 23348741; PubMed 28958982.